The following is an entry in ClinVar:

ClinVar aggregate classification (germline): Uncertain significance. Review status: criteria provided, multiple submitters, no conflicts (2 of 4 stars). 3 submissions from 3 submitters: Uncertain significance (2). 1 of the submissions does not count toward it. Last evaluated 2022-07-18.

Conditions:
LRP2-related disorder. Also called: LRP2-related condition.
Donnai-Barrow syndrome. Also called: DBS/FOAR SYNDROME; FACIOOCULOACOUSTICORENAL SYNDROME. Identifiers: Orphanet 2143, MedGen C1857277, MONDO:0009104, OMIM 222448.

Allele frequency attached by ClinVar (database versions not stated): TOPMed 0.00002; 1000 Genomes Project 30x 0.00031.
gnomAD v4.1: 64 of 1,613,298 alleles (0.004%); highest among the groups gnomAD compares: South Asian, 0.038%; no homozygotes.

Submissions (3):

Labcorp Genetics (formerly Invitae), Labcorp
Classification: Uncertain significance. Last evaluated: 2022-07-18. Review status: criteria provided, single submitter. Criteria: Invitae Variant Classification Sherloc (09022015). Collection method: clinical testing. Allele origin: germline.
Comment: This sequence change replaces arginine, which is basic and polar, with leucine, which is neutral and non-polar, at codon 819 of the LRP2 protein (p.Arg819Leu). This variant is present in population databases (rs142080405, gnomAD 0.06%). This variant has not been reported in the literature in individuals affected with LRP2-related conditions. ClinVar contains an entry for this variant (Variation ID: 893654). Advanced modeling of protein sequence and biophysical properties (such as structural, functional, and spatial information, amino acid conservation, physicochemical variation, residue mobility, and thermodynamic stability) performed at Invitae indicates that this missense variant is expected to disrupt LRP2 protein function. In summary, the available evidence is currently insufficient to determine the role of this variant in disease. Therefore, it has been classified as a Variant of Uncertain Significance.

Illumina Laboratory Services, Illumina
Classification: Uncertain significance for Donnai-Barrow syndrome. Last evaluated: 2018-01-15. Review status: criteria provided, single submitter. Criteria: ICSL Variant Classification Criteria 13 December 2019. Collection method: clinical testing. Allele origin: germline.

PreventionGenetics, part of Exact Sciences
Classification: Uncertain significance for LRP2-related condition. Last evaluated: 2024-05-02. Review status: no assertion criteria provided. Collection method: clinical testing. Allele origin: germline. Not counted in ClinVar's aggregate classification.
Comment: The LRP2 c.2456G>T variant is predicted to result in the amino acid substitution p.Arg819Leu. To our knowledge, this variant has not been reported in the literature. This variant is reported in 0.062% of alleles in individuals of South Asian descent in gnomAD. Although we suspect that this variant may be benign, at this time, the clinical significance of this variant is uncertain due to the absence of conclusive functional and genetic evidence.

NM_004525.3(LRP2):c.2456G>T (p.Arg819Leu)

Gene: LRP2 (LDL receptor related protein 2; minus strand). Cytogenetic location: 2q31.1.
Variant type: single nucleotide variant.
Coding change: c.2456G>T on transcript NM_004525.3 (MANE Select); coding-DNA position 2456, G replaced by T.
Protein change: p.Arg819Leu; replaces arginine 819 with leucine.
Molecular consequence: missense variant.
Genome position (GRCh38, 1-based): chr2:169,259,082, C>A on the plus strand (G>T on the coding strand, the complement: LRP2 is on the minus strand). VCF-style: chr2-169259082-C-A. GRCh37 (hg19) VCF-style: chr2-170115592-C-A.
Other names: short protein forms R819L.
Identifiers: ClinVar variation 893654 (VCV000893654.7), dbSNP rs142080405, ClinGen allele CA1955295.
Genomic context (GRCh38, chr2:169,259,082, plus strand): 5'-TACCCGGCAAAAGGATGAACTACCACCGACCGTGGGTTATTTAAATACTGAACTACTGTG[C>A]GTCTCGTTTTATCAGCTAGCCTCATGACACTGATACTCTTGTAATGAGAGTCTGTCCAAT-3'
Protein context (NP_004516.2, residues 809-829): SVMRLADKTR[Arg819Leu]TVVQYLNNPR